The following is an entry in ClinVar:

NM_000540.3(RYR1):c.7683C>G (p.Leu2561=)

Gene: RYR1 (ryanodine receptor 1; plus strand). Cytogenetic location: 19q13.2.
Variant type: single nucleotide variant.
Coding change: c.7683C>G on transcript NM_000540.3 (MANE Select); coding-DNA position 7683, C replaced by G.
Protein change: p.Leu2561=; no amino-acid change (leucine 2561 retained).
Molecular consequence: synonymous variant.
Genome position (GRCh38, 1-based): chr19:38,502,575, C>G. VCF-style: chr19-38502575-C-G. GRCh37 (hg19) VCF-style: chr19-38993215-C-G.
Other names: c.7683C>G, p.Leu2561= (NM_001042723.2).
Identifiers: ClinVar variation 3069401 (VCV003069401.1), dbSNP rs144196095, ClinGen allele CA507243734.

ClinVar aggregate classification (germline): Likely benign (1 of 4 stars; one submission).

Conditions:
Malignant hyperthermia, susceptibility to, 1 (MHS1). Also called: RYR1-Related Malignant Hyperthermia Susceptibility; Anesthesia related hyperthermia; Malignant hyperpyrexia; Fulminating hyperpyrexia; Pharmacogenic myopathy; Malignant hyperthermia suceptibility 1. Identifiers: Orphanet 423, MedGen C2930980, MONDO:0007783, OMIM 145600.

gnomAD v4.1: 1 of 1,612,340 alleles (0.000062%); highest among the groups gnomAD compares: African/African-American, 0.0013%; no homozygotes.

Submission:

All of Us Research Program, National Institutes of Health
Classification: Likely benign for Malignant hyperthermia, susceptibility to, 1. Last evaluated: 2023-02-15. Review status: criteria provided, single submitter. Criteria: ACMG Guidelines, 2015. Collection method: clinical testing. Allele origin: germline. Inheritance: Autosomal dominant inheritance. Observed: 1 variant allele, 1 heterozygote.
Comment: This study involves interpretation of variants in research participants for the purpose of population health screening. Participant phenotype was not available at the time of variant classification. Additional details can be found in publication PMID: 35346344, PMCID: PMC8962531